The following is an entry in ClinVar:

NM_145649.5(GCNT2):c.925+26270G>C

Gene: GCNT2 (glucosaminyl (N-acetyl) transferase 2 (I blood group); plus strand). Cytogenetic location: 6p24.3.
Variant type: single nucleotide variant.
Coding change: c.925+26270G>C on transcript NM_145649.5 (MANE Select); 26270 bases into the intron after coding-DNA position 925, G replaced by C.
Molecular consequence: intron variant. On other transcripts: 5 prime UTR variant (1).
Genome position (GRCh38, 1-based): chr6:10,556,106, G>C. VCF-style: chr6-10556106-G-C. GRCh37 (hg19) VCF-style: chr6-10556339-G-C.
Other names: c.-318G>C (NM_001491.3); c.925+26270G>C (NM_001374747.1).
Identifiers: ClinVar variation 354697 (VCV000354697.5), dbSNP rs564517, ClinGen allele CA10621046.
Genomic context (GRCh38, chr6:10,556,106, plus strand): 5'-GGGTGGCATGGGAAATGAAAGAAAGAGATATGGGAAACTAAATCTGCCGGGGGAAAGAGA[G>C]TTACCGGAGTTTTAGCAAAACAGCTAGCAGATGCAAACGGGGAGGCAGAGGGAGGAGGGA-3'

ClinVar aggregate classification (germline): Benign (1 of 4 stars; one submission).

Conditions:
Blood group, I system (Ii). Identifiers: MedGen C0020717, OMIM 110800.

Allele frequency attached by ClinVar (database versions not stated): gnomAD exomes 0.00242; gnomAD 0.01719 and 0.01811; TOPMed 0.01922; 1000 Genomes Project 0.02017; 1000 Genomes Project 30x 0.02092.
gnomAD v4.1: 5,345 of 1,248,286 alleles (0.43%); highest among the groups gnomAD compares: African/African-American, 5.7%; 138 homozygotes.

Submission:

Illumina Laboratory Services, Illumina
Classification: Benign for Blood group, I system. Last evaluated: 2018-01-12. Review status: criteria provided, single submitter. Criteria: ICSL Variant Classification Criteria 13 December 2019. Collection method: clinical testing. Allele origin: germline.
Comment: This variant was observed in the ICSL laboratory as part of a predisposition screen in an ostensibly healthy population. It had not been previously curated by ICSL or reported in the Human Gene Mutation Database (HGMD: prior to June 1st, 2018), and was therefore a candidate for classification through an automated scoring system. Utilizing variant allele frequency, disease prevalence and penetrance estimates, and inheritance mode, an automated score was calculated to assess if this variant is too frequent to cause the disease. Based on the score and internal cut-off values, a variant classified as benign is not then subjected to further curation. The score for this variant resulted in a classification of benign for this disease.